The following is an entry in ClinVar:

NM_031433.4(MFRP):c.465C>A (p.Phe155Leu)

Genes: C1QTNF5 (C1q and TNF related 5; minus strand), MFRP (membrane frizzled-related protein; minus strand). Cytogenetic location: 11q23.3.
Variant type: single nucleotide variant.
Coding change: c.465C>A on transcript NM_031433.4 (MANE Select); coding-DNA position 465, C replaced by A.
Protein change: p.Phe155Leu; replaces phenylalanine 155 with leucine.
Molecular consequence: missense variant. On other transcripts: 5 prime UTR variant (1).
Genome position (GRCh38, 1-based): chr11:119,345,596, G>T on the plus strand (C>A on the coding strand, the complement: MFRP is on the minus strand). VCF-style: chr11-119345596-G-T. GRCh37 (hg19) VCF-style: chr11-119216306-G-T.
Other names: c.-2172C>A (NM_015645.5); short protein forms F155L.
Identifiers: ClinVar variation 2860635 (VCV002860635.3), dbSNP rs748084228, ClinGen allele CA382978497.
Genomic context (GRCh38, chr11:119,345,596, plus strand): 5'-CTGGATATGCCACACGCAGTGGGTGTTGGGGGGGTAAGGGTCTGGGTAGTTAGGGCTGCT[G>T]AAGAAGCCCCTTGGGCCAGAGAGGAGGCCTCCACAGGCTGCAGAGATGGAGGTTAGAGTT-3'
Protein context (NP_113621.1, residues 145-165): GGLLSGPRGF[Phe155Leu]SSPNYPDPYP

ClinVar aggregate classification (germline): Uncertain significance (1 of 4 stars; one submission).

Conditions:
Isolated microphthalmia 5. Also called: Posterior Microphthalmia with Retinitis Pigmentosa, Foveoschisis, and Optic Disc Drusen. Identifiers: Orphanet 251279, MedGen C1970236, MONDO:0012605, OMIM 611040.

Submission:

Labcorp Genetics (formerly Invitae), Labcorp
Classification: Uncertain significance for Isolated microphthalmia 5. Last evaluated: 2023-10-30. Review status: criteria provided, single submitter. Criteria: Invitae Variant Classification Sherloc (09022015). Collection method: clinical testing. Allele origin: germline.
Comment: This sequence change replaces phenylalanine, which is neutral and non-polar, with leucine, which is neutral and non-polar, at codon 155 of the MFRP protein (p.Phe155Leu). This variant is not present in population databases (gnomAD no frequency). This variant has not been reported in the literature in individuals affected with MFRP-related conditions. Advanced modeling of protein sequence and biophysical properties (such as structural, functional, and spatial information, amino acid conservation, physicochemical variation, residue mobility, and thermodynamic stability) performed at Invitae indicates that this missense variant is not expected to disrupt MFRP protein function with a negative predictive value of 80%. Algorithms developed to predict the effect of sequence changes on RNA splicing suggest that this variant may disrupt the consensus splice site. In summary, the available evidence is currently insufficient to determine the role of this variant in disease. Therefore, it has been classified as a Variant of Uncertain Significance.